The following is an entry in ClinVar:

ClinVar aggregate classification (germline): Uncertain significance (1 of 4 stars; one submission).

Conditions:
Fetal akinesia deformation sequence 1 (FADS1). Also called: Pena-Shokeir syndrome type I; Fetal akinesia sequence. Identifiers: Orphanet 994, MedGen C1276035, MONDO:0100101, OMIM 208150, HP:0001989.
Congenital myasthenic syndrome 11. Also called: MYASTHENIC SYNDROME, CONGENITAL, Ie; Myasthenic syndrome, congenital, 11, associated with acetylcholine receptor deficiency. Identifiers: Orphanet 590, MedGen C4225367, MONDO:0014588, OMIM 616326.

Allele frequency attached by ClinVar (database versions not stated): gnomAD 0.00001.
gnomAD v4.1: 2 of 1,593,016 alleles (0.00013%); highest among the groups gnomAD compares: African/African-American, 0.0027%; no homozygotes.

Submission:

Labcorp Genetics (formerly Invitae), Labcorp
Classification: Uncertain significance for Congenital myasthenic syndrome 11; Fetal akinesia deformation sequence 1. Last evaluated: 2021-11-14. Review status: criteria provided, single submitter. Criteria: Invitae Variant Classification Sherloc (09022015). Collection method: clinical testing. Allele origin: germline.
Comment: This sequence change replaces arginine, which is basic and polar, with proline, which is neutral and non-polar, at codon 242 of the RAPSN protein (p.Arg242Pro). This variant is present in population databases (rs780963721, gnomAD 0.008%). This variant has not been reported in the literature in individuals affected with RAPSN-related conditions. Algorithms developed to predict the effect of missense changes on protein structure and function are either unavailable or do not agree on the potential impact of this missense change (SIFT: "Deleterious"; PolyPhen-2: "Probably Damaging"; Align-GVGD: "Class C0"). In summary, the available evidence is currently insufficient to determine the role of this variant in disease. Therefore, it has been classified as a Variant of Uncertain Significance.

NM_005055.5(RAPSN):c.725G>C (p.Arg242Pro)

Gene: RAPSN (receptor associated protein of the synapse; minus strand). Cytogenetic location: 11p11.2.
Variant type: single nucleotide variant.
Coding change: c.725G>C on transcript NM_005055.5 (MANE Select); coding-DNA position 725, G replaced by C.
Protein change: p.Arg242Pro; replaces arginine 242 with proline.
Molecular consequence: missense variant.
Genome position (GRCh38, 1-based): chr11:47,441,887, C>G on the plus strand (G>C on the coding strand, the complement: RAPSN is on the minus strand). VCF-style: chr11-47441887-C-G. GRCh37 (hg19) VCF-style: chr11-47463439-C-G.
Other names: c.725G>C, p.Arg242Pro (NM_032645.5); short protein forms R242P.
Identifiers: ClinVar variation 1495222 (VCV001495222.3), dbSNP rs780963721, ClinGen allele CA5976655.
Genomic context (GRCh38, chr11:47,441,887, plus strand): 5'-AGGTCCCCACGGCTCCGGTGGATGTCAGCGAAGCAGAGCAGGCAGAGCGCCTGCAGTGGC[C>G]GGTCCCCGTGCTGCAGCGCGATCTTCATAGACTCCTGCGAGGGAGGCCAGTGGCTCAGGC-3'
Protein context (NP_005046.2, residues 232-252): SMKIALQHGD[Arg242Pro]PLQALCLLCF